The following is an entry in ClinVar:

NM_001171.6(ABCC6):c.3723G>C (p.Trp1241Cys)

Gene: ABCC6 (ATP binding cassette subfamily C member 6; minus strand). Cytogenetic location: 16p13.11.
Variant type: single nucleotide variant.
Coding change: c.3723G>C on transcript NM_001171.6 (MANE Select); coding-DNA position 3723, G replaced by C.
Protein change: p.Trp1241Cys; replaces tryptophan 1241 with cysteine.
Molecular consequence: missense variant. On other transcripts: non-coding transcript variant (1).
Genome position (GRCh38, 1-based): chr16:16,159,494, C>G on the plus strand (G>C on the coding strand, the complement: ABCC6 is on the minus strand). VCF-style: chr16-16159494-C-G. GRCh37 (hg19) VCF-style: chr16-16253351-C-G.
Other names: c.3381G>C, p.Trp1127Cys (NM_001351800.1); short protein forms W1241C, W1127C.
Identifiers: ClinVar variation 433287 (VCV000433287.40), dbSNP rs72657701, ClinGen allele CA278628710.

ClinVar aggregate classification (germline): Uncertain significance. Review status: criteria provided, multiple submitters, no conflicts (2 of 4 stars). 4 submissions from 4 submitters: Uncertain significance (3). 1 of the submissions does not count toward it. Last evaluated 2022-07-26.

Conditions:
Autosomal recessive inherited pseudoxanthoma elasticum (PXE). Identifiers: Orphanet 758, MedGen CN032334, MONDO:0009925, OMIM 264800.

Allele frequency attached by ClinVar (database versions not stated): TOPMed 0.00001; gnomAD exomes 0.00002; ESP Exome Variant Server 0.00008.
gnomAD v4.1: 11 of 1,614,050 alleles (0.00068%); highest among the groups gnomAD compares: Non-Finnish European, 0.00093%; no homozygotes.

Submissions (4):

Labcorp Genetics (formerly Invitae), Labcorp
Classification: Uncertain significance. Last evaluated: 2022-07-26. Review status: criteria provided, single submitter. Criteria: Invitae Variant Classification Sherloc (09022015). Collection method: clinical testing. Allele origin: germline.
Comment: This sequence change replaces tryptophan, which is neutral and slightly polar, with cysteine, which is neutral and slightly polar, at codon 1241 of the ABCC6 protein (p.Trp1241Cys). This variant is present in population databases (rs72657701, gnomAD 0.004%). This missense change has been observed in individual(s) with pseudoxanthoma elasticum (PMID: 11536079, 16835894). ClinVar contains an entry for this variant (Variation ID: 433287). Advanced modeling of protein sequence and biophysical properties (such as structural, functional, and spatial information, amino acid conservation, physicochemical variation, residue mobility, and thermodynamic stability) performed at Invitae indicates that this missense variant is not expected to disrupt ABCC6 protein function. In summary, the available evidence is currently insufficient to determine the role of this variant in disease. Therefore, it has been classified as a Variant of Uncertain Significance.

Blueprint Genetics
Classification: Uncertain significance. Last evaluated: 2022-07-08. Review status: criteria provided, single submitter. Criteria: ACMG Guidelines, 2015. Collection method: clinical testing. Allele origin: germline.

CeGaT Center for Human Genetics Tuebingen
Classification: Uncertain significance. Last evaluated: 2021-09-01. Review status: criteria provided, single submitter. Criteria: CeGaT Center For Human Genetics Tuebingen Variant Classification Criteria Version 2. Collection method: clinical testing. Allele origin: germline. Affected: yes. Observed: 1 variant allele.

PXE International
Classification: Uncertain significance for Autosomal recessive inherited pseudoxanthoma elasticum. Last evaluated: 2021-02-16. Review status: no assertion criteria provided. Collection method: research. Allele origin: germline. Inheritance: Autosomal recessive inheritance. Affected: yes. Observed: 1 variant allele. Not counted in ClinVar's aggregate classification.

Literature cited by the submitters: PubMed 11536079 (cited by Labcorp Genetics (formerly Invitae), Labcorp); PubMed 16835894 (cited by Labcorp Genetics (formerly Invitae), Labcorp); PubMed 32873932 (cited by PXE International).